The following is an entry in ClinVar:

NM_000368.5(TSC1):c.210+33G>A

Gene: TSC1 (TSC complex subunit 1; minus strand). Cytogenetic location: 9q34.13.
Variant type: single nucleotide variant.
Coding change: c.210+33G>A on transcript NM_000368.5 (MANE Select); 33 bases into the intron after coding-DNA position 210, G replaced by A.
Molecular consequence: intron variant.
Genome position (GRCh38, 1-based): chr9:132,927,168, C>T on the plus strand (G>A on the coding strand, the complement: TSC1 is on the minus strand). VCF-style: chr9-132927168-C-T. GRCh37 (hg19) VCF-style: chr9-135802555-C-T.
Other names: c.-153-1429G>A (NM_001362177.2); c.210+33G>A (NM_001162427.2, NM_001162426.2).
Identifiers: ClinVar variation 48892 (VCV000048892.7), dbSNP rs118203350, ClinGen allele CA006007.
Genomic context (GRCh38, chr9:132,927,168, plus strand): 5'-AATAAGCTCAGGACAAGTTGCACAGTGGCCGTGCACAGAAGCTGTTGTACTCATGAAGAA[C>T]ATATGAAATGCCTATGATATTTCAGCCATTACCTTGTCATGTGGCTCTTGCAAGGTGGTC-3'

ClinVar aggregate classification (germline): Benign/Likely benign. Review status: criteria provided, multiple submitters, no conflicts (2 of 4 stars). 6 submissions from 6 submitters: Benign (3); Likely benign (2). 1 of the submissions does not count toward it. Last evaluated 2023-07-07.

Conditions:
Tuberous sclerosis 1 (TSC1). Identifiers: Orphanet 805, MedGen C1854465, MONDO:0008612, OMIM 191100.
Tuberous sclerosis syndrome (TSC). Also called: Tuberous Sclerosis Complex; Tuberous sclerosis. Identifiers: Orphanet 805, MedGen C0041341, MONDO:0001734.

Allele frequency attached by ClinVar (database versions not stated): 1000 Genomes Project 30x 0.00671; gnomAD 0.00695 and 0.00742; 1000 Genomes Project 0.00739; ESP Exome Variant Server 0.00746; TOPMed 0.00767; gnomAD exomes 0.00913 and 0.00945; ExAC 0.01056.
gnomAD v4.1: 14,445 of 1,602,738 alleles (0.9%); highest among the groups gnomAD compares: South Asian, 2%; 118 homozygotes.

Submissions (6):

KCCC/NGS Laboratory, Kuwait Cancer Control Center
Classification: Benign for Tuberous sclerosis 1. Last evaluated: 2023-07-07. Review status: criteria provided, single submitter. Criteria: ACMG Guidelines, 2015. Collection method: clinical testing. Allele origin: germline. Affected: yes.

Genome-Nilou Lab
Classification: Benign for Tuberous sclerosis 1. Last evaluated: 2021-11-07. Review status: criteria provided, single submitter. Criteria: ACMG Guidelines, 2015. Collection method: clinical testing. Allele origin: germline. Affected: no.

GeneDx
Classification: Likely benign. Last evaluated: 2018-06-18. Review status: criteria provided, single submitter. Criteria: GeneDx Variant Classification (06012015). Collection method: clinical testing. Allele origin: germline. Affected: yes.
Comment: This variant is considered likely benign or benign based on one or more of the following criteria: it is a conservative change, it occurs at a poorly conserved position in the protein, it is predicted to be benign by multiple in silico algorithms, and/or has population frequency not consistent with disease.

Breakthrough Genomics
Classification: Likely benign. Review status: criteria provided, single submitter. Criteria: ACMG Guidelines, 2015. Collection method: not provided. Allele origin: germline. Inheritance: Autosomal dominant inheritance. Affected: yes.

PreventionGenetics, part of Exact Sciences
Classification: Benign. Review status: criteria provided, single submitter. Criteria: ACMG Guidelines, 2015. Collection method: clinical testing. Allele origin: germline.

Tuberous sclerosis database (TSC1)
No classification provided. Condition: TSC. Review status: no classification provided. Criteria: Tuberous Sclerosis Database Assertion Criteria 2015. Collection method: curation. Allele origin: germline. Affected: yes. Not counted in ClinVar's aggregate classification.